The following is an entry in ClinVar:

ClinVar aggregate classification (germline): Uncertain significance (1 of 4 stars; one submission).

Allele frequency attached by ClinVar (database versions not stated): gnomAD exomes below 0.00001.
gnomAD v4.1: 1 of 1,612,138 alleles (0.000062%); highest among the groups gnomAD compares: Admixed American, 0.0017%; no homozygotes.

Submission:

Labcorp Genetics (formerly Invitae), Labcorp
Classification: Uncertain significance. Last evaluated: 2022-08-23. Review status: criteria provided, single submitter. Criteria: Invitae Variant Classification Sherloc (09022015). Collection method: clinical testing. Allele origin: germline.
Comment: This variant has not been reported in the literature in individuals affected with FERMT1-related conditions. In summary, the available evidence is currently insufficient to determine the role of this variant in disease. Therefore, it has been classified as a Variant of Uncertain Significance. Algorithms developed to predict the effect of missense changes on protein structure and function are either unavailable or do not agree on the potential impact of this missense change (SIFT: "Deleterious"; PolyPhen-2: "Probably Damaging"; Align-GVGD: "Class C0"). ClinVar contains an entry for this variant (Variation ID: 1357814). This variant is present in population databases (no rsID available, gnomAD 0.003%). This sequence change replaces glutamine, which is neutral and polar, with glutamic acid, which is acidic and polar, at codon 531 of the FERMT1 protein (p.Gln531Glu).

NM_017671.5(FERMT1):c.1591C>G (p.Gln531Glu)

Gene: FERMT1 (FERM domain containing kindlin 1; minus strand). Cytogenetic location: 20p12.3.
Variant type: single nucleotide variant.
Coding change: c.1591C>G on transcript NM_017671.5 (MANE Select); coding-DNA position 1591, C replaced by G.
Protein change: p.Gln531Glu; replaces glutamine 531 with glutamic acid.
Molecular consequence: missense variant.
Genome position (GRCh38, 1-based): chr20:6,085,068, G>C on the plus strand (C>G on the coding strand, the complement: FERMT1 is on the minus strand). VCF-style: chr20-6085068-G-C. GRCh37 (hg19) VCF-style: chr20-6065715-G-C.
Other names: short protein forms Q531E.
Identifiers: ClinVar variation 1357814 (VCV001357814.6), dbSNP rs1354078093, ClinGen allele CA408178279.